The following is an entry in ClinVar:

ClinVar aggregate classification (germline): Uncertain significance (1 of 4 stars; one submission).

Submission:

Labcorp Genetics (formerly Invitae), Labcorp
Classification: Uncertain significance. Last evaluated: 2023-05-23. Review status: criteria provided, single submitter. Criteria: Invitae Variant Classification Sherloc (09022015). Collection method: clinical testing. Allele origin: germline.
Comment: In summary, the available evidence is currently insufficient to determine the role of this variant in disease. Therefore, it has been classified as a Variant of Uncertain Significance. Advanced modeling of protein sequence and biophysical properties (such as structural, functional, and spatial information, amino acid conservation, physicochemical variation, residue mobility, and thermodynamic stability) performed at Invitae indicates that this missense variant is not expected to disrupt ATP1A1 protein function. This variant has not been reported in the literature in individuals affected with ATP1A1-related conditions. This variant is not present in population databases (gnomAD no frequency). This sequence change replaces methionine, which is neutral and non-polar, with valine, which is neutral and non-polar, at codon 748 of the ATP1A1 protein (p.Met748Val).

NM_000701.8(ATP1A1):c.2242A>G (p.Met748Val)

Genes: ATP1A1 (ATPase Na+/K+ transporting subunit alpha 1; plus strand), ATP1A1-AS1 (ATP1A1 antisense RNA 1; minus strand). Cytogenetic location: 1p13.1.
Variant type: single nucleotide variant.
Coding change: c.2242A>G on transcript NM_000701.8 (MANE Select); coding-DNA position 2242, A replaced by G.
Protein change: p.Met748Val; replaces methionine 748 with valine.
Molecular consequence: missense variant.
Genome position (GRCh38, 1-based): chr1:116,398,738, A>G. VCF-style: chr1-116398738-A-G. GRCh37 (hg19) VCF-style: chr1-116941360-A-G.
Other names: c.2242A>G, p.Met748Val (NM_001160233.2); c.2149A>G, p.Met717Val (NM_001160234.2); short protein forms M748V, M717V.
Identifiers: ClinVar variation 2742726 (VCV002742726.3), dbSNP rs2525881084, ClinGen allele CA341773230.
Genomic context (GRCh38, chr1:116,398,738, plus strand): 5'-GCAGACATTGGGGTTGCTATGGGGATTGCTGGCTCAGATGTGTCCAAGCAAGCTGCTGAC[A>G]TGATTCTTCTGGATGACAACTTTGCCTCAATTGTGACTGGAGTAGAGGAAGGTGAGAGCT-3'
Protein context (NP_000692.2, residues 738-758): GSDVSKQAAD[Met748Val]ILLDDNFASI